The following is an entry in ClinVar:

NM_000289.6(PFKM):c.31dup (p.Thr11fs)

Gene: PFKM (phosphofructokinase, muscle; plus strand). Cytogenetic location: 12q13.11.
Variant type: Duplication.
Coding change: c.31dup on transcript NM_000289.6 (MANE Select); coding-DNA position 31, one base duplicated (A; older notation c.31dupA).
Protein change: p.Thr11fs; shifts the reading frame from threonine 11.
Molecular consequence: frameshift variant. On other transcripts: 5 prime UTR variant (3), non-coding transcript variant (6).
Genome position (GRCh38, 1-based): chr12:48,122,805, A duplicated; the last of 4 consecutive A bases (chr12:48,122,802-48,122,805); duplicating any one gives the same sequence. VCF-style (leftmost placement, unchanged base first): chr12-48122801-C-CA. GRCh37 (hg19) VCF-style: chr12-48516584-C-CA.
Other names: c.244dup, p.Thr82fs (NM_001166686.2, NM_001354737.1, NM_001354738.1 and 1 more transcripts); c.31dup, p.Thr11fs (NM_001166687.2, NM_001166688.2, NM_001354742.2 and 4 more transcripts); c.340dup, p.Thr114fs (NM_001354735.1, NM_001354736.1); c.175dup, p.Thr59fs (NM_001354740.1); c.55dup, p.Thr19fs (NM_001354741.2); c.-295dup (NM_001354745.2); c.-46dup (NM_001354747.2, NM_001354748.2); short protein forms T114fs, T11fs, T19fs, T59fs, T82fs.
Identifiers: ClinVar variation 1725563 (VCV001725563.2), dbSNP rs2540765020, ClinGen allele CA2580085473.

ClinVar aggregate classification (germline): Likely pathogenic (1 of 4 stars; one submission).

Conditions:
Glycogen storage disease, type VII (GSD7). Also called: GSD VII; MUSCLE PHOSPHOFRUCTOKINASE DEFICIENCY; PFKM DEFICIENCY; TARUI DISEASE. Identifiers: Orphanet 371, MedGen C0017926, MONDO:0009295, OMIM 232800.

Submission:

Myriad Genetics, Inc.
Classification: Likely pathogenic for Glycogen storage disease, type VII. Last evaluated: 2022-03-30. Review status: criteria provided, single submitter. Criteria: Myriad Women's Health Autosomal Recessive and X-Linked Classification Criteria (2021). Collection method: clinical testing. Allele origin: unknown.
Comment: NM_001166686.1(PFKM):c.244dupA(T82Nfs*43) is expected to be pathogenic in the context of glycogen storage disease type VII. This variant is predicted to lead to an abnormal or absent protein product due to the creation of a premature termination codon in PFKM, a gene where loss-of-function variants are known to be pathogenic. Please note: this variant was assessed in the context of healthy population screening.